The following is an entry in ClinVar:

ClinVar aggregate classification (germline): Uncertain significance (1 of 4 stars; one submission).

Conditions:
Charcot-Marie-Tooth disease X-linked recessive 5 (CMTX5). Also called: OPTIC ATROPHY, POLYNEUROPATHY, AND DEAFNESS; ROSENBERG-CHUTORIAN SYNDROME; Optic atrophy, neural deafness, and distal neurogenic amyotrophy; Charcot-Marie-Tooth Neuropathy X Type 5 (CMTX5). Identifiers: Orphanet 99014, MedGen C1839566, MONDO:0010699, OMIM 311070.

Submission:

3billion
Classification: Uncertain significance for Charcot-Marie-Tooth disease X-linked recessive 5. Last evaluated: 2025-11-04. Review status: criteria provided, single submitter. Criteria: ACMG Guidelines, 2015. Collection method: clinical testing. Allele origin: germline. Affected: yes.
Comment: The variant is not observed in the gnomAD v4.1.0 dataset. Predicted Consequence/Location: Missense variant In silico tool predictions suggest damaging effect of the variant on gene or gene product [REVEL: 0.88 (>=0.6, sensitivity 0.68 and specificity 0.92); 3Cnet: 0.89 (> 0.75, sensitivity 0.96 and precision 0.92)]. Different missense changes at the same codon have been reported as of uncertain significance (ClinVar ID: VCV000800505). Therefore, this variant is classified as VUS according to the recommendation of ACMG/AMP guideline.

NM_002764.4(PRPS1):c.421C>T (p.Pro141Ser)

Gene: PRPS1 (phosphoribosyl pyrophosphate synthetase 1; plus strand). Cytogenetic location: Xq22.3.
Variant type: single nucleotide variant.
Coding change: c.421C>T on transcript NM_002764.4 (MANE Select); coding-DNA position 421, C replaced by T.
Protein change: p.Pro141Ser; replaces proline 141 with serine.
Molecular consequence: missense variant. On other transcripts: intron variant (1).
Genome position (GRCh38, 1-based): chrX:107,642,381, C>T. VCF-style: chrX-107642381-C-T. GRCh37 (hg19) VCF-style: chrX-106885611-C-T.
Other names: c.-82-2796C>T (NM_001204402.2); short protein forms P141S.
Identifiers: ClinVar variation 4856084 (VCV004856084.1).
Genomic context (GRCh38, chrX:107,642,381, plus strand): 5'-AAGAGAAGGAAAGTGAAGCAAAACTGATCCAGCTTCTTTCTACAGGGCTTTTTTGATATC[C>T]CAGTAGACAATTTGTATGCAGAGCCGGCTGTCCTAAAGTGGATAAGGGAGAATATCTCTG-3'
Protein context (NP_002755.1, residues 131-151): ASQIQGFFDI[Pro141Ser]VDNLYAEPAV